The following is an entry in ClinVar:

NM_006648.4(WNK2):c.5174C>A (p.Ala1725Asp)

Gene: WNK2 (WNK lysine deficient protein kinase 2; plus strand). Cytogenetic location: 9q22.31.
Variant type: single nucleotide variant.
Coding change: c.5174C>A on transcript NM_006648.4 (MANE Select); coding-DNA position 5174, C replaced by A.
Protein change: p.Ala1725Asp; replaces alanine 1725 with aspartic acid.
Molecular consequence: missense variant.
Genome position (GRCh38, 1-based): chr9:93,292,639, C>A. VCF-style: chr9-93292639-C-A. GRCh37 (hg19) VCF-style: chr9-96054921-C-A.
Other names: c.5285C>A, p.Ala1762Asp (NM_001282394.3); short protein forms A1725D, A1762D.
Identifiers: ClinVar variation 3817038 (VCV003817038.1).

ClinVar aggregate classification (germline): Uncertain significance (1 of 4 stars; one submission).

gnomAD v4.1: 3 of 1,584,178 alleles (0.00019%); highest among the groups gnomAD compares: Non-Finnish European, 0.00026%; no homozygotes.

Submission:

Ambry Genetics
Classification: Uncertain significance. Last evaluated: 2025-02-08. Review status: criteria provided, single submitter. Criteria: Ambry Variant Classification Scheme 2023. Collection method: clinical testing. Allele origin: germline.
Comment: The p.A1725D variant (also known as c.5174C>A), located in coding exon 22 of the WNK2 gene, results from a C to A substitution at nucleotide position 5174. The alanine at codon 1725 is replaced by aspartic acid, an amino acid with dissimilar properties. This amino acid position is conserved. In addition, this alteration is predicted to be tolerated by in silico analysis. Based on the available evidence, the clinical significance of this variant remains unclear.